The following is an entry in ClinVar:

NM_001042492.3(NF1):c.599A>T (p.Lys200Ile)

Gene: NF1 (neurofibromin 1; plus strand). Cytogenetic location: 17q11.2.
Variant type: single nucleotide variant.
Coding change: c.599A>T on transcript NM_001042492.3 (MANE Select); coding-DNA position 599, A replaced by T.
Protein change: p.Lys200Ile; replaces lysine 200 with isoleucine.
Molecular consequence: missense variant.
Genome position (GRCh38, 1-based): chr17:31,181,434, A>T. VCF-style: chr17-31181434-A-T. GRCh37 (hg19) VCF-style: chr17-29508452-A-T.
Other names: c.599A>T, p.Lys200Ile (NM_000267.4, NM_001128147.3); short protein forms K200I.
Identifiers: ClinVar variation 661939 (VCV000661939.5), dbSNP rs1597658055, ClinGen allele CA398989241.

ClinVar aggregate classification (germline): Uncertain significance (1 of 4 stars; one submission).

Conditions:
Neurofibromatosis, type 1 (NF1). Also called: VON RECKLINGHAUSEN DISEASE; NEUROFIBROMATOSIS, TYPE I, SOMATIC; Peripheral type neurofibromatosis; Neurofibromatosis, type I. Identifiers: Orphanet 636, MedGen C0027831, MONDO:0018975, OMIM 162200. Disease mechanism: loss of function.

Submission:

Labcorp Genetics (formerly Invitae), Labcorp
Classification: Uncertain significance for Neurofibromatosis, type 1. Last evaluated: 2018-12-28. Review status: criteria provided, single submitter. Criteria: Invitae Variant Classification Sherloc (09022015). Collection method: clinical testing. Allele origin: germline.
Comment: Algorithms developed to predict the effect of missense changes on protein structure and function are either unavailable or do not agree on the potential impact of this missense change (SIFT: "Deleterious"; PolyPhen-2: "Probably Damaging"; Align-GVGD: "Class C0"). In summary, the available evidence is currently insufficient to determine the role of this variant in disease. Therefore, it has been classified as a Variant of Uncertain Significance. This sequence change replaces lysine with isoleucine at codon 200 of the NF1 protein (p.Lys200Ile). The lysine residue is highly conserved and there is a moderate physicochemical difference between lysine and isoleucine. This variant is not present in population databases (ExAC no frequency). This variant has not been reported in the literature in individuals with NF1-related conditions.